The following is an entry in ClinVar:

ClinVar aggregate classification (germline): Likely benign (1 of 4 stars; one submission).

gnomAD v4.1: 112 of 1,614,222 alleles (0.0069%); highest among the groups gnomAD compares: East Asian, 0.091%; 1 homozygote.

Submission:

CeGaT Center for Human Genetics Tuebingen
Classification: Likely benign. Last evaluated: 2025-02-01. Review status: criteria provided, single submitter. Criteria: CeGaT Center For Human Genetics Tuebingen Variant Classification Criteria Version 2. Collection method: clinical testing. Allele origin: germline. Affected: yes. Observed: 1 variant allele.
Comment: NR2F2: BP4, BS2

NM_021005.4(NR2F2):c.333G>A (p.Leu111=)

Gene: NR2F2 (nuclear receptor subfamily 2 group F member 2; plus strand). Cytogenetic location: 15q26.2.
Variant type: single nucleotide variant.
Coding change: c.333G>A on transcript NM_021005.4 (MANE Select); coding-DNA position 333, G replaced by A.
Protein change: p.Leu111=; no amino-acid change (leucine 111 retained).
Molecular consequence: synonymous variant. On other transcripts: intron variant (1).
Genome position (GRCh38, 1-based): chr15:96,332,438, G>A. VCF-style: chr15-96332438-G-A. GRCh37 (hg19) VCF-style: chr15-96875667-G-A.
Other names: c.44-1638G>A (NM_001145155.2).
Identifiers: ClinVar variation 3777938 (VCV003777938.7).
Genomic context (GRCh38, chr15:96,332,438, plus strand): 5'-CGGCCAGTTCACGTGCGAGGGCTGCAAGAGCTTCTTCAAGCGCAGCGTGCGGAGGAACCT[G>A]AGCTACACGTGCCGCGCCAACCGGAACTGTCCCATCGACCAGCACCATCGCAACCAGTGC-3'
Protein context (NP_066285.1, residues 101-121): SFFKRSVRRN[Leu111=]SYTCRANRNC